The following is an entry in ClinVar:

NM_002816.5(PSMD12):c.1204A>G (p.Ile402Val)

Gene: PSMD12 (proteasome 26S subunit, non-ATPase 12; minus strand). Cytogenetic location: 17q24.2.
Variant type: single nucleotide variant.
Coding change: c.1204A>G on transcript NM_002816.5 (MANE Select); coding-DNA position 1204, A replaced by G.
Protein change: p.Ile402Val; replaces isoleucine 402 with valine.
Molecular consequence: missense variant.
Genome position (GRCh38, 1-based): chr17:67,341,010, T>C on the plus strand (A>G on the coding strand, the complement: PSMD12 is on the minus strand). VCF-style: chr17-67341010-T-C. GRCh37 (hg19) VCF-style: chr17-65337126-T-C.
Other names: c.1027A>G, p.Ile343Val (NM_001316341.2); c.1144A>G, p.Ile382Val (NM_174871.4); short protein forms I343V, I382V, I402V.
Identifiers: ClinVar variation 2631282 (VCV002631282.1), dbSNP rs2509678201, ClinGen allele CA400803467.

ClinVar aggregate classification (germline): Uncertain significance (1 of 4 stars; one submission).

Conditions:
PSMD12-related disorder. Also called: PSMD12-related condition.

Submission:

PreventionGenetics, part of Exact Sciences
Classification: Uncertain significance for PSMD12-related condition. Last evaluated: 2023-08-18. Review status: criteria provided, single submitter. Criteria: ACMG Guidelines, 2015. Collection method: clinical testing. Allele origin: germline.
Comment: The PSMD12 c.1204A>G variant is predicted to result in the amino acid substitution p.Ile402Val. To our knowledge, this variant has not been reported in the literature or in a large population database, indicating this variant is rare. At this time, the clinical significance of this variant is uncertain due to the absence of conclusive functional and genetic evidence.